The following is an entry in ClinVar:

ClinVar aggregate classification (germline): Pathogenic (1 of 4 stars; one submission).

Conditions:
Growth delay due to insulin-like growth factor I resistance. Also called: IGF-I RESISTANCE; Insulin-Like Growth Factor I Resistance; Somatomedin end-organ insensitivity to; Somatomedin-c resistance to; IGF-1 resistance. Identifiers: Orphanet 73273, MedGen C1849157, MONDO:0010038, OMIM 270450.

Submission:

Women's Health and Genetics/Laboratory Corporation of America, LabCorp
Classification: Pathogenic for Growth delay due to insulin-like growth factor I resistance. Last evaluated: 2025-11-13. Review status: criteria provided, single submitter. Criteria: LabCorp Variant Classification Summary - May 2015. Collection method: clinical testing. Allele origin: germline.
Comment: Variant summary: IGF1R c.1338_1353del16 (p.Met446IlefsX15) results in a premature termination codon, predicted to cause a truncation of the encoded protein or absence of the protein due to nonsense mediated decay, which are commonly known mechanisms for disease. The variant was absent in 251244 control chromosomes. To our knowledge, no occurrence of c.1338_1353del16 in individuals affected with IGF1R-related conditions and no experimental evidence demonstrating its impact on protein function have been reported. No submitters have cited clinical-significance assessments for this variant to ClinVar. Based on the evidence outlined above, the variant was classified as pathogenic.

NM_000875.5(IGF1R):c.1338_1353del (p.Met446fs)

Gene: IGF1R (insulin like growth factor 1 receptor; plus strand). Cytogenetic location: 15q26.3.
Variant type: Deletion.
Coding change: c.1338_1353del on transcript NM_000875.5 (MANE Select); coding-DNA positions 1338 to 1353, 16 bases deleted (GTACTTTGCTTTCAAT).
Protein change: p.Met446fs; shifts the reading frame from methionine 446.
Molecular consequence: frameshift variant.
Genome position (GRCh38, 1-based): chr15:98,908,775-98,908,790, GTACTTTGCTTTCAAT deleted; deleting any 16 consecutive bases within chr15:98,908,772-98,908,790 gives the same sequence; the c. name uses the placement nearest the transcript's 3' end. VCF-style (leftmost placement, unchanged base first): chr15-98908771-AAATGTACTTTGCTTTC-A. GRCh37 (hg19) VCF-style: chr15-99452000-AAATGTACTTTGCTTTC-A.
Other names: c.1338_1353del, p.Met446fs (NM_001291858.2); c.1338_1353del16 (NM_000875.5); short protein forms M446fs.
Identifiers: ClinVar variation 4536746 (VCV004536746.1).